The following is an entry in ClinVar:

NM_001134363.3(RBM20):c.3271G>A (p.Glu1091Lys)

Gene: RBM20 (RNA binding motif protein 20; plus strand). Cytogenetic location: 10q25.2.
Variant type: single nucleotide variant.
Coding change: c.3271G>A on transcript NM_001134363.3 (MANE Select); coding-DNA position 3271, G replaced by A.
Protein change: p.Glu1091Lys; replaces glutamic acid 1091 with lysine.
Molecular consequence: missense variant.
Genome position (GRCh38, 1-based): chr10:110,821,890, G>A. VCF-style: chr10-110821890-G-A. GRCh37 (hg19) VCF-style: chr10-112581648-G-A.
Other names: short protein forms E1091K.
Identifiers: ClinVar variation 618859 (VCV000618859.23), dbSNP rs565524160, ClinGen allele CA213229902.

ClinVar aggregate classification (germline): Conflicting classifications of pathogenicity. Review status: criteria provided, conflicting classifications (1 of 4 stars). 7 submissions from 7 submitters: Uncertain significance (6); Benign (1). Last evaluated 2026-01-20.

Conditions:
Cardiovascular phenotype. Identifiers: MedGen CN230736.
Dilated cardiomyopathy 1DD (CMD1DD). Identifiers: Orphanet 154, MedGen C2750995, MONDO:0013168, OMIM 613172.

Allele frequency attached by ClinVar (database versions not stated): gnomAD 0.00003; TOPMed 0.00007; 1000 Genomes Project 0.00020; 1000 Genomes Project 30x 0.00031.
gnomAD v4.1: 64 of 1,551,706 alleles (0.0041%); highest among the groups gnomAD compares: African/African-American, 0.012%; no homozygotes.

Submissions (7):

Labcorp Genetics (formerly Invitae), Labcorp
Classification: Benign for Dilated cardiomyopathy 1DD. Last evaluated: 2026-01-20. Review status: criteria provided, single submitter. Criteria: Invitae Variant Classification Sherloc (09022015). Collection method: clinical testing. Allele origin: germline.

Ambry Genetics
Classification: Uncertain significance for Cardiovascular phenotype. Last evaluated: 2025-08-14. Review status: criteria provided, single submitter. Criteria: Ambry Variant Classification Scheme 2023. Collection method: clinical testing. Allele origin: germline.
Comment: The p.E1091K variant (also known as c.3271G>A), located in coding exon 11 of the RBM20 gene, results from a G to A substitution at nucleotide position 3271. The glutamic acid at codon 1091 is replaced by lysine, an amino acid with similar properties. This amino acid position is well conserved in available vertebrate species. In addition, the in silico prediction for this alteration is inconclusive. Since supporting evidence is limited at this time, the clinical significance of this alteration remains unclear.

Blueprint Genetics
Classification: Uncertain significance. Last evaluated: 2023-11-14. Review status: criteria provided, single submitter. Criteria: ACMG Guidelines, 2015. Collection method: clinical testing. Allele origin: germline.

GeneDx
Classification: Uncertain significance. Last evaluated: 2023-05-26. Review status: criteria provided, single submitter. Criteria: GeneDx Variant Classification Process June 2021. Collection method: clinical testing. Allele origin: germline. Affected: yes.
Comment: In silico analysis supports that this missense variant does not alter protein structure/function; Has not been previously published as pathogenic or benign to our knowledge; This variant is associated with the following publications: (PMID: 25326804)

Mayo Clinic Laboratories, Mayo Clinic
Classification: Uncertain significance. Last evaluated: 2022-08-10. Review status: criteria provided, single submitter. Criteria: ACMG Guidelines, 2015. Collection method: clinical testing. Allele origin: germline. Observed: 1 variant allele.
Comment: BP4

Fulgent Genetics
Classification: Uncertain significance for Dilated cardiomyopathy 1DD. Last evaluated: 2021-08-19. Review status: criteria provided, single submitter. Criteria: ACMG Guidelines, 2015. Collection method: clinical testing. Allele origin: unknown.

ARUP Laboratories, Molecular Genetics and Genomics, ARUP Laboratories
Classification: Uncertain significance. Last evaluated: 2017-08-18. Review status: criteria provided, single submitter. Criteria: ARUP Molecular Germline Variant Investigation Process. Collection method: clinical testing. Allele origin: germline.
Comment: The p.Glu1091Lys variant (rs565524160) has not been reported in the medical literature in association with cardiomyopathy, is not listed in gene-specific variant databases, nor has it been previously identified in our laboratory. It is listed in the Genome Aggregation Database (gnomAD) browser with an overall frequency of 0.004% (identified in 7 out of 182,216 chromosomes). The glutamic acid at codon 1091 is highly conserved considering 11 species up to Cow (Alamut software v2.9), although computational analyses return mixed results regarding the effect of this variant on RBM20 protein structure/function (SIFT: damaging, PolyPhen2: benign, and Mutation Taster: disease causing). Thus, based on the available information, the clinical significance of the p.Glu1091Lys variant cannot be determined with certainty.